The following is an entry in ClinVar:

ClinVar aggregate classification (germline): Benign. Review status: criteria provided, multiple submitters, no conflicts (2 of 4 stars). 11 submissions from 7 submitters: Benign (10). 1 of the submissions does not count toward it. Last evaluated 2024-07-15.

Conditions:
POLG-related disorder. Also called: POLG-Related Spectrum Disorders; POLG-related condition; POLG-Related Disorders. Identifiers: MedGen C4763519.
Progressive external ophthalmoplegia with mitochondrial DNA deletions, autosomal recessive 1 (PEOB1). Also called: Progressive external ophthalmoplegia, autosomal recessive 1; Autosomal Recessive Progressive External Ophthalmoplegia (arPEO). Identifiers: Orphanet 254886, MedGen C4225153, MONDO:0009783, OMIM 258450.
Sensory ataxic neuropathy, dysarthria, and ophthalmoparesis (SANDO). Also called: Ataxia Neuropathy Spectrum (ANS); Sensory ataxic neuropathy-dysarthria-ophthalmoparesis syndrome; SENSORY ATAXIC NEUROPATHY WITH MITOCHONDRIAL DNA DELETIONS, AUTOSOMAL RECESSIVE; Epilepsy, progressive myoclonic, type 5. Identifiers: Orphanet 70595, MedGen C1843851, MONDO:0011835, OMIM 607459.
Progressive sclerosing poliodystrophy (MTDPS4A). Also called: Alpers-Huttenlocher Syndrome (AHS); Alpers Syndrome; ALPERS PROGRESSIVE INFANTILE POLIODYSTROPHY; Mitochondrial DNA depletion syndrome 4A (Alpers type); ALPERS DIFFUSE DEGENERATION OF CEREBRAL GRAY MATTER WITH HEPATIC CIRRHOSIS; Alpers-Huttenlocher Syndrome. Identifiers: Orphanet 726, MedGen C0205710, MONDO:0008758, OMIM 203700.
Mitochondrial DNA depletion syndrome 4b. Also called: Mitochondrial Neurogastrointestinal Encephalopathy Disease, POLG-Related; MNGIE, POLG-RELATED. Identifiers: Orphanet 298, MedGen C3150914, MONDO:0013350, OMIM 613662.
Progressive external ophthalmoplegia with mitochondrial DNA deletions, autosomal dominant 1 (PEOA1). Also called: Autosomal Dominant Progressive External Ophthalmoplegia (adPEO); PROGRESSIVE EXTERNAL OPHTHALMOPLEGIA, AUTOSOMAL DOMINANT 1. Identifiers: MedGen C1834846, MONDO:0024528, OMIM 157640.

Allele frequency attached by ClinVar (database versions not stated): TOPMed 0.56868; gnomAD 0.56891 and 0.56003; gnomAD exomes 0.47244 and 0.48789; ExAC 0.49909; 1000 Genomes Project 0.54732; 1000 Genomes Project 30x 0.55715; ESP Exome Variant Server 0.57686.
gnomAD v4.1: 768,832 of 1,597,192 alleles (48%); highest among the groups gnomAD compares: African/African-American, 79%; 189,685 homozygotes.

Submissions (11):

Unidad de Genómica Garrahan, Hospital de Pediatría Garrahan
Classification: Benign. Last evaluated: 2024-07-15. Review status: criteria provided, single submitter. Criteria: ACMG Guidelines, 2015. Collection method: clinical testing. Allele origin: germline. Affected: no. Observed: 58 variant alleles.
Comment: This variant is classified as Benign based on local population frequency. This variant was detected in 62% of patients studied in a panel designed for Epileptic and Developmental Encephalopathy and Progressive Myoclonus Epilepsy. Number of patients: 58. Only high quality variants are reported.

Mayo Clinic Laboratories, Mayo Clinic
Classification: Benign. Last evaluated: 2022-05-05. Review status: criteria provided, single submitter. Criteria: ACMG Guidelines, 2015. Collection method: clinical testing. Allele origin: germline. Observed: 449 variant alleles.

Genome-Nilou Lab
Classification: Benign for Progressive sclerosing poliodystrophy. Last evaluated: 2021-10-25. Review status: criteria provided, single submitter. Criteria: ACMG Guidelines, 2015. Collection method: clinical testing. Allele origin: germline. Affected: no.

Genome-Nilou Lab
Classification: Benign for Mitochondrial DNA depletion syndrome 4b. Last evaluated: 2021-10-25. Review status: criteria provided, single submitter. Criteria: ACMG Guidelines, 2015. Collection method: clinical testing. Allele origin: germline. Affected: no.

Genome-Nilou Lab
Classification: Benign for Sensory ataxic neuropathy, dysarthria, and ophthalmoparesis. Last evaluated: 2021-10-25. Review status: criteria provided, single submitter. Criteria: ACMG Guidelines, 2015. Collection method: clinical testing. Allele origin: germline. Affected: no.

Genome-Nilou Lab
Classification: Benign for Progressive external ophthalmoplegia with mitochondrial DNA deletions, autosomal dominant 1. Last evaluated: 2021-10-25. Review status: criteria provided, single submitter. Criteria: ACMG Guidelines, 2015. Collection method: clinical testing. Allele origin: germline. Affected: no.

Genome-Nilou Lab
Classification: Benign for Progressive external ophthalmoplegia with mitochondrial DNA deletions, autosomal recessive 1. Last evaluated: 2021-10-25. Review status: criteria provided, single submitter. Criteria: ACMG Guidelines, 2015. Collection method: clinical testing. Allele origin: germline. Affected: no.

Wong Mito Lab, Molecular and Human Genetics, Baylor College of Medicine
Classification: Benign for Progressive sclerosing poliodystrophy. Last evaluated: 2018-10-01. Review status: criteria provided, single submitter. Criteria: ACMG Guidelines, 2015. Collection method: clinical testing. Allele origin: germline.
Comment: The NM_002693.2:c.2071-22T>C (NP_002684.1:p.=) [GRCH38: NC_000015.10:g.89323923A>G] variant in POLG gene is interpretated to be a Benign based on ACMG guidelines (PMID: 25741868). This variant meets the following evidence codes reported in the ACMG-guideline. BA1:Minor allele frequency is too high for the Mitochondrial DNA depletion syndrome 4A (Alpers type). BS1:The minor allele frequency of this allele is high for Mitochondrial DNA depletion syndrome 4A (Alpers type). BS2:Observation of the variant in controls is inconsistent with penetrance of Mitochondrial DNA depletion syndrome 4A (Alpers type). BP4:Computational evidence/predictors indicate no impact on the POLG structure, function, or protein-protein interaction. Based on the evidence criteria codes applied, the variant is suggested to be Benign.

GeneDx
Classification: Benign. Last evaluated: 2015-03-03. Review status: criteria provided, single submitter. Criteria: GeneDx Variant Classification Process June 2021. Collection method: clinical testing. Allele origin: germline. Affected: yes.

Breakthrough Genomics
Classification: Benign. Review status: criteria provided, single submitter. Criteria: ACMG Guidelines, 2015. Collection method: not provided. Allele origin: germline. Inheritance: Autosomal recessive inheritance. Affected: yes.

PreventionGenetics, part of Exact Sciences
Classification: Benign for POLG-related condition. Last evaluated: 2023-06-28. Review status: no assertion criteria provided. Collection method: clinical testing. Allele origin: germline. Not counted in ClinVar's aggregate classification.
Comment: This variant is classified as benign based on ACMG/AMP sequence variant interpretation guidelines (Richards et al. 2015 PMID: 25741868, with internal and published modifications).

NM_002693.3(POLG):c.2071-22T>C

Gene: POLG (DNA polymerase gamma, catalytic subunit; minus strand). Cytogenetic location: 15q26.1.
Variant type: single nucleotide variant.
Coding change: c.2071-22T>C on transcript NM_002693.3 (MANE Select); 22 bases into the intron before coding-DNA position 2071, T replaced by C.
Molecular consequence: intron variant.
Genome position (GRCh38, 1-based): chr15:89,323,923, A>G on the plus strand (T>C on the coding strand, the complement: POLG is on the minus strand). VCF-style: chr15-89323923-A-G. GRCh37 (hg19) VCF-style: chr15-89867154-A-G.
Other names: p.?; c.2071-22T>C (NM_001126131.2).
Identifiers: ClinVar variation 619385 (VCV000619385.12), dbSNP rs2072267, ClinGen allele CA7724591.